The following is an entry in ClinVar:

NM_152703.5(SAMD9L):c.4675G>A (p.Gly1559Ser)

Gene: SAMD9L (sterile alpha motif domain containing 9 like; minus strand). Cytogenetic location: 7q21.2.
Variant type: single nucleotide variant.
Coding change: c.4675G>A on transcript NM_152703.5 (MANE Select); coding-DNA position 4675, G replaced by A.
Protein change: p.Gly1559Ser; replaces glycine 1559 with serine.
Molecular consequence: missense variant.
Genome position (GRCh38, 1-based): chr7:93,131,297, C>T on the plus strand (G>A on the coding strand, the complement: SAMD9L is on the minus strand). VCF-style: chr7-93131297-C-T. GRCh37 (hg19) VCF-style: chr7-92760610-C-T.
Other names: c.4675G>A, p.Gly1559Ser (NM_001303496.3, NM_001303497.3, NM_001303498.3 and 5 more transcripts); short protein forms G1559S.
Identifiers: ClinVar variation 4630018 (VCV004630018.1).

ClinVar aggregate classification (germline): Uncertain significance (1 of 4 stars; one submission).

Conditions:
Inborn genetic diseases. Identifiers: MedGen C0950123, MeSH D030342.

gnomAD v4.1: 2 of 1,612,082 alleles (0.00012%); highest among the groups gnomAD compares: Non-Finnish European, 0.00017%; no homozygotes.

Submission:

Ambry Genetics
Classification: Uncertain significance for Inborn genetic diseases. Last evaluated: 2025-09-25. Review status: criteria provided, single submitter. Criteria: Ambry Variant Classification Scheme 2023. Collection method: clinical testing. Allele origin: germline.
Comment: The p.G1559S variant (also known as c.4675G>A), located in coding exon 1 of the SAMD9L gene, results from a G to A substitution at nucleotide position 4675. The glycine at codon 1559 is replaced by serine, an amino acid with similar properties. This amino acid position is conserved. In addition, this alteration is predicted to be tolerated by in silico analysis. Based on the available evidence, the clinical significance of this variant remains unclear.